The following is an entry in ClinVar:

ClinVar aggregate classification (germline): Uncertain significance (1 of 4 stars; one submission).

Submission:

Labcorp Genetics (formerly Invitae), Labcorp
Classification: Uncertain significance. Last evaluated: 2020-01-13. Review status: criteria provided, single submitter. Criteria: Invitae Variant Classification Sherloc (09022015). Collection method: clinical testing. Allele origin: germline.
Comment: This variant is not present in population databases (ExAC no frequency). This sequence change replaces asparagine with aspartic acid at codon 1658 of the EYS protein (p.Asn1658Asp). The asparagine residue is moderately conserved and there is a small physicochemical difference between asparagine and aspartic acid. This variant has not been reported in the literature in individuals with EYS-related conditions. In summary, the available evidence is currently insufficient to determine the role of this variant in disease. Therefore, it has been classified as a Variant of Uncertain Significance. Algorithms developed to predict the effect of missense changes on protein structure and function (SIFT, PolyPhen-2, Align-GVGD) all suggest that this variant is likely to be tolerated, but these predictions have not been confirmed by published functional studies and their clinical significance is uncertain.

NM_001142800.2(EYS):c.4972A>G (p.Asn1658Asp)

Gene: EYS (EGF-like photoreceptor maintenance factor; minus strand). Cytogenetic location: 6q12.
Variant type: single nucleotide variant.
Coding change: c.4972A>G on transcript NM_001142800.2 (MANE Select); coding-DNA position 4972, A replaced by G.
Protein change: p.Asn1658Asp; replaces asparagine 1658 with aspartic acid.
Molecular consequence: missense variant.
Genome position (GRCh38, 1-based): chr6:64,590,895, T>C on the plus strand (A>G on the coding strand, the complement: EYS is on the minus strand). VCF-style: chr6-64590895-T-C. GRCh37 (hg19) VCF-style: chr6-65300788-T-C.
Other names: c.4972A>G, p.Asn1658Asp (NM_001292009.2); short protein forms N1658D.
Identifiers: ClinVar variation 935369 (VCV000935369.9), dbSNP rs1766385108, ClinGen allele CA364782139.